The following is an entry in ClinVar:

ClinVar aggregate classification (germline): Uncertain significance (1 of 4 stars; one submission).

Conditions:
Nemaline myopathy 2 (NEM2). Also called: Nemaline myopathy 2, autosomal recessive. Identifiers: MedGen C1850569, MONDO:0009725, OMIM 256030.

Allele frequency attached by ClinVar (database versions not stated): gnomAD exomes below 0.00001; ExAC 0.00001; TOPMed 0.00001.
gnomAD v4.1: 4 of 1,613,904 alleles (0.00025%); highest among the groups gnomAD compares: Non-Finnish European, 0.00034%; no homozygotes.

Submission:

Labcorp Genetics (formerly Invitae), Labcorp
Classification: Uncertain significance for Nemaline myopathy 2. Last evaluated: 2021-08-26. Review status: criteria provided, single submitter. Criteria: Invitae Variant Classification Sherloc (09022015). Collection method: clinical testing. Allele origin: germline.
Comment: This sequence change replaces cysteine with phenylalanine at codon 2615 of the NEB protein (p.Cys2615Phe). The cysteine residue is moderately conserved and there is a large physicochemical difference between cysteine and phenylalanine. This variant is present in population databases (rs749508488, ExAC 0.001%). This variant has not been reported in the literature in individuals affected with NEB-related conditions. Algorithms developed to predict the effect of missense changes on protein structure and function are either unavailable or do not agree on the potential impact of this missense change (SIFT: "Deleterious"; PolyPhen-2: "Not Available"; Align-GVGD: "Class C0"). In summary, the available evidence is currently insufficient to determine the role of this variant in disease. Therefore, it has been classified as a Variant of Uncertain Significance.

NM_001164508.2(NEB):c.7844G>T (p.Cys2615Phe)

Gene: NEB (nebulin; minus strand). Cytogenetic location: 2q23.3.
Variant type: single nucleotide variant.
Coding change: c.7844G>T on transcript NM_001164508.2 (MANE Select); coding-DNA position 7844, G replaced by T.
Protein change: p.Cys2615Phe; replaces cysteine 2615 with phenylalanine.
Molecular consequence: missense variant.
Genome position (GRCh38, 1-based): chr2:151,643,930, C>A on the plus strand (G>T on the coding strand, the complement: NEB is on the minus strand). VCF-style: chr2-151643930-C-A. GRCh37 (hg19) VCF-style: chr2-152500444-C-A.
Other names: c.7844G>T, p.Cys2615Phe (NM_001164507.2, NM_001271208.2, NM_004543.5); short protein forms C2615F.
Identifiers: ClinVar variation 1428623 (VCV001428623.5), dbSNP rs749508488, ClinGen allele CA1909747.
Genomic context (GRCh38, chr2:151,643,930, plus strand): 5'-GGCAGGCATGTCCACTGGTGCAGGTAGTTCTTGTAGTCCACGTCGCTGACTAAGGTCTGG[C>A]ACTTCTTGGCCAACACCACCCCCAGCATGTCCACTGGGCTGCTGAACTTGGTCTTCCACT-3'
Protein context (NP_001157980.2, residues 2605-2625): DMLGVVLAKK[Cys2615Phe]QTLVSDVDYK